The following is an entry in ClinVar:

ClinVar aggregate classification (germline): Benign/Likely benign. Review status: criteria provided, multiple submitters, no conflicts (2 of 4 stars). 3 submissions from 3 submitters: Benign (1); Likely benign (2). Last evaluated 2026-02-01.

Conditions:
Luscan-Lumish syndrome. Identifiers: Orphanet 597738, MedGen C4085873, MONDO:0014791, OMIM 616831.

Allele frequency attached by ClinVar (database versions not stated): TOPMed 0.00090; 1000 Genomes Project 0.00100; ESP Exome Variant Server 0.00110; 1000 Genomes Project 30x 0.00125.
gnomAD v4.1: 231 of 1,550,432 alleles (0.015%); highest among the groups gnomAD compares: African/African-American, 0.29%; 1 homozygote.

Submissions (3):

CeGaT Center for Human Genetics Tuebingen
Classification: Likely benign. Last evaluated: 2026-02-01. Review status: criteria provided, single submitter. Criteria: CeGaT Center For Human Genetics Tuebingen Variant Classification Criteria Version 2. Collection method: clinical testing. Allele origin: germline. Affected: yes. Observed: 3 variant alleles.
Comment: SETD2: BP4, BP7

Labcorp Genetics (formerly Invitae), Labcorp
Classification: Benign for Luscan-Lumish syndrome. Last evaluated: 2026-02-01. Review status: criteria provided, single submitter. Criteria: Invitae Variant Classification Sherloc (09022015). Collection method: clinical testing. Allele origin: germline.

Blueprint Genetics
Classification: Likely benign. Last evaluated: 2024-03-26. Review status: criteria provided, single submitter. Criteria: ACMG Guidelines, 2015. Collection method: clinical testing. Allele origin: germline.

NM_014159.7(SETD2):c.985C>A (p.Arg329=)

Gene: SETD2 (SET domain containing 2, histone lysine methyltransferase; minus strand). Cytogenetic location: 3p21.31.
Variant type: single nucleotide variant.
Coding change: c.985C>A on transcript NM_014159.7 (MANE Select); coding-DNA position 985, C replaced by A.
Protein change: p.Arg329=; no amino-acid change (arginine 329 retained).
Molecular consequence: synonymous variant. On other transcripts: non-coding transcript variant (1).
Genome position (GRCh38, 1-based): chr3:47,123,651, G>T on the plus strand (C>A on the coding strand, the complement: SETD2 is on the minus strand). VCF-style: chr3-47123651-G-T. GRCh37 (hg19) VCF-style: chr3-47165141-G-T.
Other names: c.853C>A, p.Arg285= (NM_001349370.3).
Identifiers: ClinVar variation 542236 (VCV000542236.35), dbSNP rs372869995, ClinGen allele CA2363722.